The following is an entry in ClinVar:

NM_000528.4(MAN2B1):c.2046+184A>G

Gene: MAN2B1 (mannosidase alpha class 2B member 1; minus strand). Cytogenetic location: 19p13.13.
Variant type: single nucleotide variant.
Coding change: c.2046+184A>G on transcript NM_000528.4 (MANE Select); 184 bases into the intron after coding-DNA position 2046, A replaced by G.
Molecular consequence: intron variant.
Genome position (GRCh38, 1-based): chr19:12,651,969, T>C on the plus strand (A>G on the coding strand, the complement: MAN2B1 is on the minus strand). VCF-style: chr19-12651969-T-C. GRCh37 (hg19) VCF-style: chr19-12762783-T-C.
Other names: c.2043+184A>G (NM_001173498.2).
Identifiers: ClinVar variation 684378 (VCV000684378.1), dbSNP rs17476839, ClinGen allele CA14635920.

ClinVar aggregate classification (germline): Benign (1 of 4 stars; one submission).

Allele frequency attached by ClinVar (database versions not stated): 1000 Genomes Project 0.51917; 1000 Genomes Project 30x 0.52592; TOPMed 0.65294; gnomAD 0.65419 and 0.66859.
gnomAD v4.1: 99,540 of 152,084 alleles (65%); highest among the groups gnomAD compares: African/African-American, 71%; 33,633 homozygotes.

Submission:

GeneDx
Classification: Benign. Last evaluated: 2018-06-19. Review status: criteria provided, single submitter. Criteria: GeneDx Variant Classification (06012015). Collection method: clinical testing. Allele origin: germline. Affected: yes.
Comment: This variant is considered likely benign or benign based on one or more of the following criteria: it is a conservative change, it occurs at a poorly conserved position in the protein, it is predicted to be benign by multiple in silico algorithms, and/or has population frequency not consistent with disease.